The following is an entry in ClinVar:

ClinVar aggregate classification (germline): Benign (1 of 4 stars; one submission).

Conditions:
Polydactyly of a triphalangeal thumb. Also called: POLYDACTYLY OF TRIPHALANGEAL THUMB; TRIPHALANGEAL THUMB-POLYDACTYLY SYNDROME; Polydactyly, preaxial type II. Identifiers: Orphanet 2439, Orphanet 2950, Orphanet 93336, MedGen C1868114, MONDO:0008270, OMIM 174500.

Allele frequency attached by ClinVar (database versions not stated): 1000 Genomes Project 0.00120; 1000 Genomes Project 30x 0.00172; TOPMed 0.00211; gnomAD 0.00235 and 0.00250.

Submission:

Illumina Laboratory Services, Illumina
Classification: Benign for Polydactyly of a triphalangeal thumb. Last evaluated: 2018-01-12. Review status: criteria provided, single submitter. Criteria: ICSL Variant Classification Criteria 13 December 2019. Collection method: clinical testing. Allele origin: germline.
Comment: This variant was observed in the ICSL laboratory as part of a predisposition screen in an ostensibly healthy population. It had not been previously curated by ICSL or reported in the Human Gene Mutation Database (HGMD: prior to June 1st, 2018), and was therefore a candidate for classification through an automated scoring system. Utilizing variant allele frequency, disease prevalence and penetrance estimates, and inheritance mode, an automated score was calculated to assess if this variant is too frequent to cause the disease. Based on the score and internal cut-off values, a variant classified as benign is not then subjected to further curation. The score for this variant resulted in a classification of benign for this disease.

NM_022458.4(LMBR1):c.*2081G>A

Gene: LMBR1 (limb development membrane protein 1; minus strand). Cytogenetic location: 7q36.3.
Variant type: single nucleotide variant.
Coding change: c.*2081G>A on transcript NM_022458.4 (MANE Select); 2081 bases downstream of the stop codon, G replaced by A.
Molecular consequence: 3 prime UTR variant. On other transcripts: non-coding transcript variant (2).
Genome position (GRCh38, 1-based): chr7:156,681,997, C>T on the plus strand (G>A on the coding strand, the complement: LMBR1 is on the minus strand). VCF-style: chr7-156681997-C-T. GRCh37 (hg19) VCF-style: chr7-156474691-C-T.
Other names: c.*2081G>A (NM_001350953.2, NM_001350954.2, NM_001350955.2 and 8 more transcripts).
Identifiers: ClinVar variation 359387 (VCV000359387.5), dbSNP rs113867033, ClinGen allele CA10623514.
Genomic context (GRCh38, chr7:156,681,997, plus strand): 5'-TCTCTCCAGAGGCAGATGCTTGGGCATGTGCTCAGGAAGAGCCTCGAGGAACCGTGATTA[C>T]GCAGCAGCCCAAGGCTGTAACAATCTATTTGTTCTCAAGGCATATGAGTCCCAGGTTCGA-3'